The following is an entry in ClinVar:

ClinVar aggregate classification (germline): Pathogenic (1 of 4 stars; one submission).

Submission:

Labcorp Genetics (formerly Invitae), Labcorp
Classification: Pathogenic. Last evaluated: 2023-12-01. Review status: criteria provided, single submitter. Criteria: Invitae Variant Classification Sherloc (09022015). Collection method: clinical testing. Allele origin: germline.
Comment: This sequence change creates a premature translational stop signal (p.Glu776*) in the LRPPRC gene. It is expected to result in an absent or disrupted protein product. Loss-of-function variants in LRPPRC are known to be pathogenic (PMID: 26510951). Information on the frequency of this variant in the gnomAD database is not available, as this variant may be reported differently in the database. This variant has not been reported in the literature in individuals affected with LRPPRC-related conditions. ClinVar contains an entry for this variant (Variation ID: 1457256). For these reasons, this variant has been classified as Pathogenic.

Literature cited by the submitters: PubMed 26510951.

NM_133259.4(LRPPRC):c.2325_2326delinsGT (p.Glu776Ter)

Gene: LRPPRC (leucine rich pentatricopeptide repeat containing; minus strand). Cytogenetic location: 2p21.
Variant type: Indel.
Coding change: c.2325_2326delinsGT on transcript NM_133259.4 (MANE Select); coding-DNA positions 2325 to 2326, AG replaced by GT.
Protein change: p.Glu776Ter; replaces glutamic acid 776 with a stop codon.
Molecular consequence: nonsense.
Genome position (GRCh38, 1-based): chr2:43,943,865-43,943,866, CT replaced by AC on the plus strand (AG replaced by GT on the coding strand, the reverse complement: LRPPRC is on the minus strand). VCF-style: chr2-43943865-CT-AC. GRCh37 (hg19) VCF-style: chr2-44171004-CT-AC.
Other names: short protein forms E776*.
Identifiers: ClinVar variation 1457256 (VCV001457256.7), dbSNP rs2105077791, ClinGen allele CA2573134764.